The following is an entry in ClinVar:

NM_015450.3(POT1):c.941G>A (p.Ser314Asn)

Gene: POT1 (protection of telomeres 1; minus strand). Cytogenetic location: 7q31.33.
Variant type: single nucleotide variant.
Coding change: c.941G>A on transcript NM_015450.3 (MANE Select); coding-DNA position 941, G replaced by A.
Protein change: p.Ser314Asn; replaces serine 314 with asparagine.
Molecular consequence: missense variant. On other transcripts: non-coding transcript variant (3).
Genome position (GRCh38, 1-based): chr7:124,851,880, C>T on the plus strand (G>A on the coding strand, the complement: POT1 is on the minus strand). VCF-style: chr7-124851880-C-T. GRCh37 (hg19) VCF-style: chr7-124491934-C-T.
Other names: c.548G>A, p.Ser183Asn (NM_001042594.2); short protein forms S314N, S183N.
Identifiers: ClinVar variation 1379710 (VCV001379710.6), dbSNP rs2116500770, ClinGen allele CA369054270.

ClinVar aggregate classification (germline): Uncertain significance (1 of 4 stars; one submission).

Conditions:
Tumor predisposition syndrome 3 (TPDS3). Also called: Melanoma, cutaneous malignant, susceptibility to, 10; Glioma susceptibility 9; LONG TELOMERE SYNDROME, POT1-RELATED; POT1 Tumor Predisposition. Identifiers: Orphanet 618, MedGen C4014476, MONDO:0014368, OMIM 615848.

Submission:

Labcorp Genetics (formerly Invitae), Labcorp
Classification: Uncertain significance for Tumor predisposition syndrome 3. Last evaluated: 2023-07-25. Review status: criteria provided, single submitter. Criteria: Invitae Variant Classification Sherloc (09022015). Collection method: clinical testing. Allele origin: germline.
Comment: In summary, the available evidence is currently insufficient to determine the role of this variant in disease. Therefore, it has been classified as a Variant of Uncertain Significance. Advanced modeling of protein sequence and biophysical properties (such as structural, functional, and spatial information, amino acid conservation, physicochemical variation, residue mobility, and thermodynamic stability) performed at Invitae indicates that this missense variant is not expected to disrupt POT1 protein function. ClinVar contains an entry for this variant (Variation ID: 1379710). This variant has not been reported in the literature in individuals affected with POT1-related conditions. This variant is not present in population databases (gnomAD no frequency). This sequence change replaces serine, which is neutral and polar, with asparagine, which is neutral and polar, at codon 314 of the POT1 protein (p.Ser314Asn).